The following is an entry in ClinVar:

ClinVar aggregate classification (germline): Likely benign (1 of 4 stars; one submission).

Allele frequency attached by ClinVar (database versions not stated): gnomAD 0.00001; TOPMed 0.00001.
gnomAD v4.1: 12 of 1,612,826 alleles (0.00074%); highest among the groups gnomAD compares: Non-Finnish European, 0.001%; no homozygotes.

Submission:

CeGaT Center for Human Genetics Tuebingen
Classification: Likely benign. Last evaluated: 2022-05-01. Review status: criteria provided, single submitter. Criteria: CeGaT Center For Human Genetics Tuebingen Variant Classification Criteria Version 2. Collection method: clinical testing. Allele origin: germline. Affected: yes. Observed: 1 variant allele.
Comment: SHOC1: BP4, BP7

NM_001378211.1(SHOC1):c.1587A>G (p.Lys529=)

Gene: SHOC1 (shortage in chiasmata 1; minus strand). Cytogenetic location: 9q31.3.
Variant type: single nucleotide variant.
Coding change: c.1587A>G on transcript NM_001378211.1 (MANE Select); coding-DNA position 1587, A replaced by G.
Protein change: p.Lys529=; no amino-acid change (lysine 529 retained).
Molecular consequence: synonymous variant. On other transcripts: non-coding transcript variant (1).
Genome position (GRCh38, 1-based): chr9:111,727,880, T>C on the plus strand (A>G on the coding strand, the complement: SHOC1 is on the minus strand). VCF-style: chr9-111727880-T-C. GRCh37 (hg19) VCF-style: chr9-114490160-T-C.
Other names: c.1278A>G, p.Lys426= (NM_001080551.3, NM_001378212.1); c.1395A>G, p.Lys465= (NM_173521.5).
Identifiers: ClinVar variation 2659430 (VCV002659430.24), dbSNP rs1463744044, ClinGen allele CA466904108.